The following is an entry in ClinVar:

ClinVar aggregate classification (germline): Likely benign. Review status: criteria provided, multiple submitters, no conflicts (2 of 4 stars). 3 submissions from 3 submitters: Likely benign (3). Last evaluated 2026-02-01.

Allele frequency attached by ClinVar (database versions not stated): ExAC 0.00001; gnomAD exomes 0.00001; TOPMed 0.00002.
gnomAD v4.1: 15 of 1,606,306 alleles (0.00093%); highest among the groups gnomAD compares: Middle Eastern, 0.017%; no homozygotes.

Submissions (3):

CeGaT Center for Human Genetics Tuebingen
Classification: Likely benign. Last evaluated: 2026-02-01. Review status: criteria provided, single submitter. Criteria: CeGaT Center For Human Genetics Tuebingen Variant Classification Criteria Version 2. Collection method: clinical testing. Allele origin: germline. Affected: yes. Observed: 1 variant allele.
Comment: TRRAP: BP4, BP7

Labcorp Genetics (formerly Invitae), Labcorp
Classification: Likely benign. Last evaluated: 2024-10-17. Review status: criteria provided, single submitter. Criteria: Invitae Variant Classification Sherloc (09022015). Collection method: clinical testing. Allele origin: germline.

Breakthrough Genomics
Classification: Likely benign. Review status: criteria provided, single submitter. Criteria: ACMG Guidelines, 2015. Collection method: not provided. Allele origin: germline. Inheritance: Autosomal dominant inheritance. Affected: yes.

NM_001375524.1(TRRAP):c.486C>T (p.Tyr162=)

Gene: TRRAP (transformation/transcription domain associated protein; plus strand). Cytogenetic location: 7q22.1.
Variant type: single nucleotide variant.
Coding change: c.486C>T on transcript NM_001375524.1 (MANE Select); coding-DNA position 486, C replaced by T.
Protein change: p.Tyr162=; no amino-acid change (tyrosine 162 retained).
Molecular consequence: synonymous variant.
Genome position (GRCh38, 1-based): chr7:98,895,799, C>T. VCF-style: chr7-98895799-C-T. GRCh37 (hg19) VCF-style: chr7-98493422-C-T.
Other names: c.486C>T, p.Tyr162= (NM_001244580.2, NM_003496.4).
Identifiers: ClinVar variation 1950264 (VCV001950264.10), dbSNP rs782563262, ClinGen allele CA4359255.